The following is an entry in ClinVar:

ClinVar aggregate classification (germline): Pathogenic (1 of 4 stars; one submission).

Conditions:
Marfan syndrome (MFS). Also called: MARFAN SYNDROME, TYPE I; Marfan syndrome type 1; Marfan's syndrome; Marfan syndrome, classic; FBN1-Related Marfan Syndrome. Identifiers: Orphanet 284963, Orphanet 558, MedGen C0024796, MONDO:0007947, OMIM 154700.
Familial thoracic aortic aneurysm and aortic dissection (TAAD). Also called: Thoracic aortic aneurysms and dissections. Identifiers: Orphanet 91387, MedGen C4707243, MONDO:0019625.

Submission:

Labcorp Genetics (formerly Invitae), Labcorp
Classification: Pathogenic for Marfan syndrome; Familial thoracic aortic aneurysm and aortic dissection. Last evaluated: 2023-06-16. Review status: criteria provided, single submitter. Criteria: Invitae Variant Classification Sherloc (09022015). Collection method: clinical testing. Allele origin: germline.
Comment: This variant affects a cysteine residue in the EGF-like, TGFBP or hybrid motif domains of FBN1. Cysteine residues are believed to be involved in intramolecular disulfide bridges and have been shown to be important for FBN1 protein structure (PMID: 16905551, 19349279). In addition, missense substitutions affecting cysteine residues within these domains are significantly overrepresented among patients with Marfan syndrome (PMID: 16571647, 17701892). This variant disrupts the p.Cys160 amino acid residue in FBN1. Other variant(s) that disrupt this residue have been observed in individuals with FBN1-related conditions (PMID: 17657824, 19293843), which suggests that this may be a clinically significant amino acid residue. For these reasons, this variant has been classified as Pathogenic. This sequence change replaces cysteine, which is neutral and slightly polar, with glycine, which is neutral and non-polar, at codon 160 of the FBN1 protein (p.Cys160Gly). The frequency data for this variant in the population databases is considered unreliable, as metrics indicate poor data quality at this position in the gnomAD database. This missense change has been observed in individual(s) with Marfan syndrome (PMID: 19293843). Advanced modeling of protein sequence and biophysical properties (such as structural, functional, and spatial information, amino acid conservation, physicochemical variation, residue mobility, and thermodynamic stability) performed at Invitae indicates that this missense variant is expected to disrupt FBN1 protein function.

Literature cited by the submitters: PubMed 16905551; PubMed 19349279; PubMed 16571647; PubMed 17701892; PubMed 17657824; PubMed 19293843.

NM_000138.5(FBN1):c.478T>G (p.Cys160Gly)

Gene: FBN1 (fibrillin 1; minus strand). Cytogenetic location: 15q21.1.
Variant type: single nucleotide variant.
Coding change: c.478T>G on transcript NM_000138.5 (MANE Select); coding-DNA position 478, T replaced by G.
Protein change: p.Cys160Gly; replaces cysteine 160 with glycine.
Molecular consequence: missense variant.
Genome position (GRCh38, 1-based): chr15:48,596,343, A>C on the plus strand (T>G on the coding strand, the complement: FBN1 is on the minus strand). VCF-style: chr15-48596343-A-C. GRCh37 (hg19) VCF-style: chr15-48888540-A-C.
Other names: c.478T>G, p.Cys160Gly (NM_001406716.1, NM_001406717.1); short protein forms C160G.
Identifiers: ClinVar variation 2925580 (VCV002925580.3), dbSNP rs1057518973, ClinGen allele CA392446345.